The following is an entry in ClinVar:

ClinVar aggregate classification (germline): Conflicting classifications of pathogenicity. Review status: criteria provided, conflicting classifications (1 of 4 stars). 2 submissions from 2 submitters: Uncertain significance (1); Likely benign (1). Last evaluated 2024-04-29.

Conditions:
Rothmund-Thomson syndrome type 2 (RTS2). Identifiers: Orphanet 221016, MedGen C5203410, MONDO:0016369, OMIM 268400.
Baller-Gerold syndrome (BGS). Also called: CRANIOSYNOSTOSIS WITH RADIAL DEFECTS. Identifiers: Orphanet 1225, MedGen C0265308, MONDO:0009039, OMIM 218600.

Allele frequency attached by ClinVar (database versions not stated): TOPMed below 0.00001.
gnomAD v4.1: 13 of 1,612,480 alleles (0.00081%); highest among the groups gnomAD compares: Non-Finnish European, 0.0011%; no homozygotes.

Submissions (2):

Labcorp Genetics (formerly Invitae), Labcorp
Classification: Likely benign for Baller-Gerold syndrome. Last evaluated: 2024-04-29. Review status: criteria provided, single submitter. Criteria: Invitae Variant Classification Sherloc (09022015). Collection method: clinical testing. Allele origin: germline.

St. Jude Molecular Pathology, St. Jude Children's Research Hospital
Classification: Uncertain significance for Rothmund-Thomson syndrome type 2. Last evaluated: 2023-11-28. Review status: criteria provided, single submitter. Criteria: St. Jude Assertion Criteria 2020. Collection method: clinical testing. Allele origin: germline.
Comment: The RECQL4 c.3084G>A (p.Val1028=) synonymous change is absent in gnomAD v2.1.1. Algorithms that predict the impact of sequence changes on splicing indicate that this change may impact splicing, but these predictions have not been confirmed by RNA studies. This variant has not been reported in individuals with RECQL4-associated conditions. In summary, the evidence currently available is insufficient to determine the clinical significance of this variant. It has therefore been classified as of uncertain significance.

NM_004260.4(RECQL4):c.3084G>A (p.Val1028=)

Gene: RECQL4 (RecQ like helicase 4; minus strand). Cytogenetic location: 8q24.3.
Variant type: single nucleotide variant.
Coding change: c.3084G>A on transcript NM_004260.4 (MANE Select); coding-DNA position 3084, G replaced by A.
Protein change: p.Val1028=; no amino-acid change (valine 1028 retained).
Molecular consequence: synonymous variant.
Genome position (GRCh38, 1-based): chr8:144,512,296, C>T on the plus strand (G>A on the coding strand, the complement: RECQL4 is on the minus strand). VCF-style: chr8-144512296-C-T. GRCh37 (hg19) VCF-style: chr8-145737679-C-T.
Other names: c.3084G>A (NM_004260.3).
Identifiers: ClinVar variation 1129438 (VCV001129438.8), dbSNP rs1827393391, ClinGen allele CA463565960.